The following is an entry in ClinVar:

NM_000540.3(RYR1):c.680A>T (p.Asp227Val)

Gene: RYR1 (ryanodine receptor 1; plus strand). Cytogenetic location: 19q13.2.
Variant type: single nucleotide variant.
Coding change: c.680A>T on transcript NM_000540.3 (MANE Select); coding-DNA position 680, A replaced by T.
Protein change: p.Asp227Val; replaces aspartic acid 227 with valine.
Molecular consequence: missense variant.
Genome position (GRCh38, 1-based): chr19:38,446,520, A>T. VCF-style: chr19-38446520-A-T. GRCh37 (hg19) VCF-style: chr19-38937160-A-T.
Other names: NM_000540.2(RYR1):c.680A>T; c.680A>T, p.Asp227Val (NM_001042723.2); short protein forms D227V.
Identifiers: ClinVar variation 133171 (VCV000133171.8), dbSNP rs193922760, ClinGen allele CA024649.

ClinVar aggregate classification (germline): Uncertain significance. Review status: reviewed by expert panel (3 of 4 stars). 5 submissions from 5 submitters: Uncertain significance (1). 4 of the submissions do not count toward it. Last evaluated 2025-08-01.

Conditions:
Malignant hyperthermia, susceptibility to, 1 (MHS1). Also called: RYR1-Related Malignant Hyperthermia Susceptibility; Anesthesia related hyperthermia; Malignant hyperpyrexia; Fulminating hyperpyrexia; Pharmacogenic myopathy; Malignant hyperthermia suceptibility 1. Identifiers: Orphanet 423, MedGen C2930980, MONDO:0007783, OMIM 145600.

Allele frequency attached by ClinVar (database versions not stated): gnomAD exomes below 0.00001.
gnomAD v4.1: 1 of 1,614,100 alleles (0.000062%); no homozygotes.

Submissions (5):

ClinGen Malignant Hyperthermia Susceptibility Variant Curation Expert Panel, ClinGen
Classification: Uncertain significance for Malignant hyperthermia, susceptibility to, 1. Last evaluated: 2025-08-01. Review status: reviewed by expert panel. Criteria: ClinGen MHS ACMG Specifications V2. Collection method: curation. Allele origin: germline. Inheritance: Autosomal dominant inheritance. Study: ClinGen.
Comment: This pathogenicity assessment is relevant only for malignant hyperthermia susceptibility (MHS) inherited in an autosomal dominant pattern. Variants in RYR1 can also cause other myopathies inherited in an autosomal dominant pattern or in an autosomal recessive pattern. Some of these disorders may predispose individuals to malignant hyperthermia. RYR1 variants may also contribute to a malignant hyperthermia reaction in combination with other genetic and non-genetic factors and the clinician needs to consider such factors in making management decisions. This sequence variant predicts a substitution of aspartic acid with valine at codon 227 of the RYR1 protein, p.(Asp227Val). This variant was not present in a large population database (gnomAD) at the time this variant was interpreted. This variant has been reported in an individual with a personal or family history of an MH episode and a positive in vitro contracture test (IVCT) or caffeine halothane contracture test (CHCT) result (if the proband was unavailable for testing, a positive diagnostic test result in a mutation-positive relative was counted), PS4_Supporting (PMID:16163667). No functional studies were identified for this variant. This variant resides in a region of RYR1 considered to be a hotspot for pathogenic variants that contribute to MHS, PM1 (PMID: 21118704). A REVEL score >0.85 (0.933) supports a pathogenic status for this variant, PP3_Moderate. This variant has been classified as a Variant of Unknown Significance. Criteria implemented: PS4_Supporting, PM1, PP3_Moderate.

Color Diagnostics, LLC DBA Color Health
Classification: Uncertain significance for Malignant hyperthermia, susceptibility to, 1. Last evaluated: 2025-07-09. Review status: criteria provided, single submitter. Criteria: ACMG Guidelines, 2015. Collection method: clinical testing. Allele origin: germline. Not counted in ClinVar's aggregate classification.
Comment: This missense variant replaces aspartic acid with valine at codon 227 of the RYR1 protein. Computational prediction suggests that this variant may have deleterious impact on protein structure and function. This variant resides in a region of RYR1 considered to be a hotspot for pathogenic variants that contribute to MHS (PMID: 21118704). To our knowledge, functional studies have not been reported for this variant. This variant has been reported in an individual affected with malignant hyperthermia susceptibility (PMID:16163667). This variant has not been identified in the general population by the Genome Aggregation Database (gnomAD). The available evidence is insufficient to determine the role of this variant in disease conclusively. Therefore, this variant is classified as a Variant of Uncertain Significance.

Dasa
Classification: Uncertain significance. Last evaluated: 2025-02-24. Review status: criteria provided, single submitter. Criteria: DASA Assertion Criteria. Collection method: clinical testing. Allele origin: germline. Not counted in ClinVar's aggregate classification.
Comment: NM_000540.3(RYR1):c.680A>T (p.Asp227Val) is a missense variant that results in the substitution of aspartic acid with valine. The affected residue or protein region has prior evidence supporting clinical relevance. This variant has been reported in individuals with RYR1-related disorders (PMID: 16163667). Also, this variant is rare in population databases. Computational prediction algorithms are consistent with a deleterious effect. The currently available literature and clinical evidence are not sufficient to establish a definitive association between this variant and the reported condition. Therefore, this variant is classified as a variant of uncertain significance.

GeneDx
Classification: Likely pathogenic. Last evaluated: 2024-06-18. Review status: criteria provided, single submitter. Criteria: GeneDx Variant Classification Process June 2021. Collection method: clinical testing. Allele origin: germline. Affected: yes. Not counted in ClinVar's aggregate classification.
Comment: Not observed at significant frequency in large population cohorts (gnomAD); In silico analysis supports that this missense variant has a deleterious effect on protein structure/function; In silico analysis suggests this variant may impact gene splicing. In the absence of RNA/functional studies, the actual effect of this sequence change is unknown.; This variant is associated with the following publications: (PMID: 33767344, 30325262, 16163667)

RYR1 database
No classification provided. Review status: no classification provided. Collection method: not provided. Allele origin: unknown. Not counted in ClinVar's aggregate classification.

Literature cited by the submitters: PubMed 16163667 (cited by Color Diagnostics, LLC DBA Color Health and Dasa); PubMed 21118704 (cited by Color Diagnostics, LLC DBA Color Health).